The following is an entry in ClinVar:

NM_007347.5(AP4E1):c.3092T>C (p.Ile1031Thr)

Gene: AP4E1 (adaptor related protein complex 4 subunit epsilon 1; plus strand). Cytogenetic location: 15q21.2.
Variant type: single nucleotide variant.
Coding change: c.3092T>C on transcript NM_007347.5 (MANE Select); coding-DNA position 3092, T replaced by C.
Protein change: p.Ile1031Thr; replaces isoleucine 1031 with threonine.
Molecular consequence: missense variant.
Genome position (GRCh38, 1-based): chr15:50,999,259, T>C. VCF-style: chr15-50999259-T-C. GRCh37 (hg19) VCF-style: chr15-51291456-T-C.
Other names: c.2867T>C, p.Ile956Thr (NM_001252127.2); short protein forms I1031T, I956T.
Identifiers: ClinVar variation 3728018 (VCV003728018.2).

ClinVar aggregate classification (germline): Uncertain significance (1 of 4 stars; one submission).

Conditions:
Spastic paraplegia. Identifiers: MedGen C0037772, HP:0001258.

Submission:

Labcorp Genetics (formerly Invitae), Labcorp
Classification: Uncertain significance for Spastic paraplegia. Last evaluated: 2025-01-01. Review status: criteria provided, single submitter. Criteria: Invitae Variant Classification Sherloc (09022015). Collection method: clinical testing. Allele origin: germline.
Comment: This sequence change replaces isoleucine, which is neutral and non-polar, with threonine, which is neutral and polar, at codon 1031 of the AP4E1 protein (p.Ile1031Thr). This variant is not present in population databases (gnomAD no frequency). This variant has not been reported in the literature in individuals affected with AP4E1-related conditions. An algorithm developed to predict the effect of missense changes on protein structure and function (PolyPhen-2) suggests that this variant is likely to be disruptive. In summary, the available evidence is currently insufficient to determine the role of this variant in disease. Therefore, it has been classified as a Variant of Uncertain Significance.